The following is an entry in ClinVar:

NM_006393.3(NEBL):c.2775C>T (p.Pro925=)

Gene: NEBL (nebulette; minus strand). Cytogenetic location: 10p12.31.
Variant type: single nucleotide variant.
Coding change: c.2775C>T on transcript NM_006393.3 (MANE Select); coding-DNA position 2775, C replaced by T.
Protein change: p.Pro925=; no amino-acid change (proline 925 retained).
Molecular consequence: synonymous variant.
Genome position (GRCh38, 1-based): chr10:20,787,295, G>A on the plus strand (C>T on the coding strand, the complement: NEBL is on the minus strand). VCF-style: chr10-20787295-G-A. GRCh37 (hg19) VCF-style: chr10-21076224-G-A.
Other names: c.435C>T, p.Pro145= (NM_001377327.1, NM_001377328.1, NM_001377326.1); c.543C>T, p.Pro181= (NM_213569.2, NM_001173484.2); c.636C>T, p.Pro212= (NM_001377322.1); c.495C>T, p.Pro165= (NM_001377323.1); c.486C>T, p.Pro162= (NM_001377324.1); c.477C>T, p.Pro159= (NM_001377325.1).
Identifiers: ClinVar variation 227736 (VCV000227736.20), dbSNP rs199887353, ClinGen allele CA5432315.

ClinVar aggregate classification (germline): Likely benign. Review status: criteria provided, multiple submitters, no conflicts (2 of 4 stars). 7 submissions from 7 submitters: Likely benign (5). 2 of the submissions do not count toward it. Last evaluated 2026-03-11.

Conditions:
NEBL-related disorder. Also called: NEBL-related condition.
Primary dilated cardiomyopathy (DCM). Also called: Dilated Cardiomyopathy. Identifiers: Orphanet 217604, MedGen C0007193, MeSH D002311, MONDO:0005021, HP:0001644. Inheritance: Various modes of inheritance.

Allele frequency attached by ClinVar (database versions not stated): gnomAD exomes 0.00011 and 0.00012; ExAC 0.00012; TOPMed 0.00012; gnomAD 0.00015 and 0.00016; ESP Exome Variant Server 0.00023.
gnomAD v4.1: 189 of 1,612,436 alleles (0.012%); highest among the groups gnomAD compares: African/African-American, 0.028%; 1 homozygote.

Submissions (7):

PreventionGenetics, part of Exact Sciences
Classification: Likely benign for NEBL-related condition. Last evaluated: 2026-03-11. Review status: criteria provided, single submitter. Criteria: ACMG Guidelines, 2015. Collection method: clinical testing. Allele origin: germline.
Comment: This variant is classified as likely benign based on ACMG/AMP sequence variant interpretation guidelines (Richards et al. 2015 PMID: 25741868, with internal and published modifications).

Labcorp Genetics (formerly Invitae), Labcorp
Classification: Likely benign for Primary dilated cardiomyopathy. Last evaluated: 2025-11-27. Review status: criteria provided, single submitter. Criteria: Invitae Variant Classification Sherloc (09022015). Collection method: clinical testing. Allele origin: germline.

Ambry Genetics
Classification: Likely benign. Last evaluated: 2022-04-21. Review status: criteria provided, single submitter. Criteria: Ambry Variant Classification Scheme 2023. Collection method: clinical testing. Allele origin: germline.

GeneDx
Classification: Likely benign. Last evaluated: 2017-10-24. Review status: criteria provided, single submitter. Criteria: GeneDx Variant Classification (06012015). Collection method: clinical testing. Allele origin: germline. Affected: yes.
Comment: This variant is considered likely benign or benign based on one or more of the following criteria: it is a conservative change, it occurs at a poorly conserved position in the protein, it is predicted to be benign by multiple in silico algorithms, and/or has population frequency not consistent with disease.

Laboratory for Molecular Medicine, Mass General Brigham Personalized Medicine
Classification: Likely benign. Last evaluated: 2015-06-19. Review status: criteria provided, single submitter. Criteria: LMM Criteria. Collection method: clinical testing. Allele origin: germline. Observed: 1 variant allele.
Comment: p.Pro925Pro in exon 27 of NEBL: This variant is not expected to have clinical si gnificance because it does not alter an amino acid residue and is not located wi thin the splice consensus sequence. It has been identified in 12/61610 European chromosomes by the Exome Aggregation Consortium (ExAC; dbSNP rs199887353).

Clinical Genetics DNA and cytogenetics Diagnostics Lab, Erasmus MC, Erasmus Medical Center
Classification: Likely benign. Review status: no assertion criteria provided. Collection method: clinical testing. Allele origin: germline. Affected: yes. Study: VKGL Data-share Consensus. Not counted in ClinVar's aggregate classification.

Genome Diagnostics Laboratory, University Medical Center Utrecht
Classification: Likely benign. Review status: no assertion criteria provided. Collection method: clinical testing. Allele origin: germline. Affected: yes. Study: VKGL Data-share Consensus. Not counted in ClinVar's aggregate classification.